The following is an entry in ClinVar:

NM_001135651.3(EIF2AK2):c.712A>G (p.Lys238Glu)

Gene: EIF2AK2 (eukaryotic translation initiation factor 2 alpha kinase 2; minus strand). Cytogenetic location: 2p22.2.
Variant type: single nucleotide variant.
Coding change: c.712A>G on transcript NM_001135651.3 (MANE Select); coding-DNA position 712, A replaced by G.
Protein change: p.Lys238Glu; replaces lysine 238 with glutamic acid.
Molecular consequence: missense variant.
Genome position (GRCh38, 1-based): chr2:37,136,993, T>C on the plus strand (A>G on the coding strand, the complement: EIF2AK2 is on the minus strand). VCF-style: chr2-37136993-T-C. GRCh37 (hg19) VCF-style: chr2-37364136-T-C.
Other names: c.712A>G, p.Lys238Glu (NM_001135652.3, NM_002759.4); short protein forms K238E.
Identifiers: ClinVar variation 3722025 (VCV003722025.2).

ClinVar aggregate classification (germline): Uncertain significance (1 of 4 stars; one submission).

gnomAD v4.1: 1 of 1,603,818 alleles (0.000062%); highest among the groups gnomAD compares: Non-Finnish European, 0.000085%; no homozygotes.

Submission:

Labcorp Genetics (formerly Invitae), Labcorp
Classification: Uncertain significance. Last evaluated: 2024-10-02. Review status: criteria provided, single submitter. Criteria: Invitae Variant Classification Sherloc (09022015). Collection method: clinical testing. Allele origin: germline.
Comment: This sequence change replaces lysine, which is basic and polar, with glutamic acid, which is acidic and polar, at codon 238 of the EIF2AK2 protein (p.Lys238Glu). This variant is not present in population databases (gnomAD no frequency). This variant has not been reported in the literature in individuals affected with EIF2AK2-related conditions. An algorithm developed to predict the effect of missense changes on protein structure and function (PolyPhen-2) suggests that this variant is likely to be tolerated. In summary, the available evidence is currently insufficient to determine the role of this variant in disease. Therefore, it has been classified as a Variant of Uncertain Significance.